The following is an entry in ClinVar:

ClinVar aggregate classification (germline): Uncertain significance (1 of 4 stars; one submission).

Submission:

Ambry Genetics
Classification: Uncertain significance. Last evaluated: 2025-06-08. Review status: criteria provided, single submitter. Criteria: Ambry Variant Classification Scheme 2023. Collection method: clinical testing. Allele origin: germline.
Comment: The p.G866R variant (also known as c.2596G>A), located in coding exon 11 of the WNK2 gene, results from a G to A substitution at nucleotide position 2596. The glycine at codon 866 is replaced by arginine, an amino acid with dissimilar properties. This amino acid position is conserved. In addition, this alteration is predicted to be tolerated by in silico analysis. Based on the available evidence, the clinical significance of this variant remains unclear.

NM_006648.4(WNK2):c.2596G>A (p.Gly866Arg)

Gene: WNK2 (WNK lysine deficient protein kinase 2; plus strand). Cytogenetic location: 9q22.31.
Variant type: single nucleotide variant.
Coding change: c.2596G>A on transcript NM_006648.4 (MANE Select); coding-DNA position 2596, G replaced by A.
Protein change: p.Gly866Arg; replaces glycine 866 with arginine.
Molecular consequence: missense variant.
Genome position (GRCh38, 1-based): chr9:93,259,144, G>A. VCF-style: chr9-93259144-G-A. GRCh37 (hg19) VCF-style: chr9-96021426-G-A.
Other names: c.2596G>A, p.Gly866Arg (NM_001282394.3); short protein forms G866R.
Identifiers: ClinVar variation 3982189 (VCV003982189.1).
Genomic context (GRCh38, chr9:93,259,144, plus strand): 5'-CCACTCCCCCCTGCGTCCCCAGCCTTGCCTCTGCAGGCTGTGAAGCTGCCCCACCCCCCT[G>A]GGGCGCCCCTGGCCATGCCCTGCCGGACCATTGTGCCAAATGCACCGGCCACTATCCCCC-3'
Protein context (NP_006639.3, residues 856-876): LQAVKLPHPP[Gly866Arg]APLAMPCRTI